The following is an entry in ClinVar:

ClinVar aggregate classification (germline): Uncertain significance. Review status: criteria provided, multiple submitters, no conflicts (2 of 4 stars). 2 submissions from 2 submitters: Uncertain significance (2). Last evaluated 2024-09-19.

Allele frequency attached by ClinVar (database versions not stated): gnomAD exomes below 0.00001; ExAC 0.00001; gnomAD 0.00008; TOPMed 0.00009; ESP Exome Variant Server 0.00015.
gnomAD v4.1: 17 of 1,605,438 alleles (0.0011%); highest among the groups gnomAD compares: African/African-American, 0.021%; no homozygotes.

Submissions (2):

Labcorp Genetics (formerly Invitae), Labcorp
Classification: Uncertain significance. Last evaluated: 2024-09-19. Review status: criteria provided, single submitter. Criteria: Invitae Variant Classification Sherloc (09022015). Collection method: clinical testing. Allele origin: germline.
Comment: This sequence change replaces glycine, which is neutral and non-polar, with aspartic acid, which is acidic and polar, at codon 95 of the GINS1 protein (p.Gly95Asp). This variant is present in population databases (rs367952564, gnomAD 0.02%). This variant has not been reported in the literature in individuals affected with GINS1-related conditions. ClinVar contains an entry for this variant (Variation ID: 1909804). An algorithm developed to predict the effect of missense changes on protein structure and function (PolyPhen-2) suggests that this variant is likely to be disruptive. In summary, the available evidence is currently insufficient to determine the role of this variant in disease. Therefore, it has been classified as a Variant of Uncertain Significance.

Mayo Clinic Laboratories, Mayo Clinic
Classification: Uncertain significance. Last evaluated: 2024-01-11. Review status: criteria provided, single submitter. Criteria: ACMG Guidelines, 2015. Collection method: clinical testing. Allele origin: germline. Observed: 1 variant allele.

NM_021067.5(GINS1):c.284G>A (p.Gly95Asp)

Gene: GINS1 (GINS complex subunit 1; plus strand). Cytogenetic location: 20p11.21.
Variant type: single nucleotide variant.
Coding change: c.284G>A on transcript NM_021067.5 (MANE Select); coding-DNA position 284, G replaced by A.
Protein change: p.Gly95Asp; replaces glycine 95 with aspartic acid.
Molecular consequence: missense variant. On other transcripts: non-coding transcript variant (1).
Genome position (GRCh38, 1-based): chr20:25,418,149, G>A. VCF-style: chr20-25418149-G-A. GRCh37 (hg19) VCF-style: chr20-25398785-G-A.
Other names: p.Gly95Asp; c.284G>A, p.Gly95Asp (NM_001410830.1); short protein forms G95D.
Identifiers: ClinVar variation 1909804 (VCV001909804.6), dbSNP rs367952564, ClinGen allele CA9796502.